The following is an entry in ClinVar:

ClinVar aggregate classification (germline): Uncertain significance (1 of 4 stars; one submission).

Submission:

Dasa
Classification: Uncertain significance. Last evaluated: 2025-06-29. Review status: criteria provided, single submitter. Criteria: DASA Assertion Criteria. Collection method: clinical testing. Allele origin: germline.
Comment: NM_001081.4(CUBN):c.593+6T>C is a splice-region variant. This variant is absent from population databases. Computational prediction algorithms are consistent with a benign effect. The currently available literature and clinical evidence are not sufficient to establish a definitive association between this variant and the reported condition. Therefore, this variant is classified as a variant of uncertain significance.

NM_001081.4(CUBN):c.593+6T>C

Gene: CUBN (cubilin; minus strand). Cytogenetic location: 10p13.
Variant type: single nucleotide variant.
Coding change: c.593+6T>C on transcript NM_001081.4 (MANE Select); 6 bases into the intron after coding-DNA position 593, T replaced by C.
Molecular consequence: intron variant.
Genome position (GRCh38, 1-based): chr10:17,122,789, A>G on the plus strand (T>C on the coding strand, the complement: CUBN is on the minus strand). VCF-style: chr10-17122789-A-G. GRCh37 (hg19) VCF-style: chr10-17164788-A-G.
Identifiers: ClinVar variation 4882564 (VCV004882564.2).
Genomic context (GRCh38, chr10:17,122,789, plus strand): 5'-AACTATGGGATGTTTTAGGCCTTCAAAAATATACTGATATTTACCAAAAAAAAAAAAAAA[A>G]GTTACCTGTAACTTCCCATTGTATTAACACATGTGCCTCCATTCTGGCAGCTCAAGGGTG-3'